The following is an entry in ClinVar:

NM_138713.4(NFAT5):c.2191A>G (p.Thr731Ala)

Gene: NFAT5 (nuclear factor of activated T cells 5; plus strand). Cytogenetic location: 16q22.1.
Variant type: single nucleotide variant.
Coding change: c.2191A>G on transcript NM_138713.4 (MANE Select); coding-DNA position 2191, A replaced by G.
Protein change: p.Thr731Ala; replaces threonine 731 with alanine.
Molecular consequence: missense variant.
Genome position (GRCh38, 1-based): chr16:69,692,016, A>G. VCF-style: chr16-69692016-A-G. GRCh37 (hg19) VCF-style: chr16-69725919-A-G.
Other names: c.2188A>G, p.Thr730Ala (NM_001113178.3); c.1516A>G, p.Thr506Ala (NM_001367709.1); c.2137A>G, p.Thr713Ala (NM_006599.4); c.1909A>G, p.Thr637Ala (NM_138714.4, NM_173214.3, NM_173215.3); short protein forms T731A, T637A, T713A, T506A, T730A.
Identifiers: ClinVar variation 836651 (VCV000836651.9), dbSNP rs755321383, ClinGen allele CA8135731.
Genomic context (GRCh38, chr16:69,692,016, plus strand): 5'-TCTGCTTCTAGTCAGCTGCCCAACAGCGATGCACTATTGCAGCAGGCTACACAGTTTCAG[A>G]CAAGAGAAACTCAGTCTAGAGAGATATTACAGTCAGATGGTACAGTGGTTAATTTGTCAC-3'
Protein context (NP_619727.2, residues 721-741): ALLQQATQFQ[Thr731Ala]RETQSREILQ

ClinVar aggregate classification (germline): Uncertain significance (1 of 4 stars; one submission).

Conditions:
Immunodeficiency. Identifiers: MedGen C0021051, MONDO:0021094, HP:0002721.

Allele frequency attached by ClinVar (database versions not stated): gnomAD exomes 0.00001; ExAC 0.00002; TOPMed 0.00006; gnomAD 0.00007.
gnomAD v4.1: 20 of 1,614,064 alleles (0.0012%); highest among the groups gnomAD compares: African/African-American, 0.027%; no homozygotes.

Submission:

Labcorp Genetics (formerly Invitae), Labcorp
Classification: Uncertain significance for Immunodeficiency. Last evaluated: 2025-10-14. Review status: criteria provided, single submitter. Criteria: Invitae Variant Classification Sherloc (09022015). Collection method: clinical testing. Allele origin: germline.
Comment: This sequence change replaces threonine, which is neutral and polar, with alanine, which is neutral and non-polar, at codon 637 of the NFAT5 protein (p.Thr637Ala). This variant is present in population databases (rs755321383, gnomAD 0.02%). This variant has not been reported in the literature in individuals affected with NFAT5-related conditions. ClinVar contains an entry for this variant (Variation ID: 836651). An algorithm developed to predict the effect of missense changes on protein structure and function outputs the following: PolyPhen-2: "Benign". The alanine amino acid residue is found in multiple mammalian species, which suggests that this missense change does not adversely affect protein function. In summary, the available evidence is currently insufficient to determine the role of this variant in disease. Therefore, it has been classified as a Variant of Uncertain Significance.